The following is an entry in ClinVar:

NM_002500.5(NEUROD1):c.487C>T (p.Pro163Ser)

Gene: NEUROD1 (neuronal differentiation 1; minus strand). Cytogenetic location: 2q31.3.
Variant type: single nucleotide variant.
Coding change: c.487C>T on transcript NM_002500.5 (MANE Select); coding-DNA position 487, C replaced by T.
Protein change: p.Pro163Ser; replaces proline 163 with serine.
Molecular consequence: missense variant.
Genome position (GRCh38, 1-based): chr2:181,678,374, G>A on the plus strand (C>T on the coding strand, the complement: NEUROD1 is on the minus strand). VCF-style: chr2-181678374-G-A. GRCh37 (hg19) VCF-style: chr2-182543101-G-A.
Other names: short protein forms P163S.
Identifiers: ClinVar variation 1414018 (VCV001414018.7), dbSNP rs1225264254, ClinGen allele CA349784879.

ClinVar aggregate classification (germline): Uncertain significance. Review status: criteria provided, multiple submitters, no conflicts (2 of 4 stars). 2 submissions from 2 submitters: Uncertain significance (2). Last evaluated 2025-04-17.

Conditions:
Maturity-onset diabetes of the young type 6 (MODY6). Identifiers: Orphanet 552, MedGen C1853371, MONDO:0011668, OMIM 606394.
Type 2 diabetes mellitus. Also called: Type II diabetes mellitus. Identifiers: MedGen C0011860, MeSH D003924, MONDO:0005148, OMIM 125853, HP:0005978.

Allele frequency attached by ClinVar (database versions not stated): gnomAD exomes below 0.00001.

Submissions (2):

Labcorp Genetics (formerly Invitae), Labcorp
Classification: Uncertain significance. Last evaluated: 2025-04-17. Review status: criteria provided, single submitter. Criteria: Invitae Variant Classification Sherloc (09022015). Collection method: clinical testing. Allele origin: germline.
Comment: This sequence change replaces proline, which is neutral and non-polar, with serine, which is neutral and polar, at codon 163 of the NEUROD1 protein (p.Pro163Ser). This variant is present in population databases (no rsID available, gnomAD 0.0009%). This variant has not been reported in the literature in individuals affected with NEUROD1-related conditions. ClinVar contains an entry for this variant (Variation ID: 1414018). Invitae Evidence Modeling of protein sequence and biophysical properties (such as structural, functional, and spatial information, amino acid conservation, physicochemical variation, residue mobility, and thermodynamic stability) has been performed for this missense variant. However, the output from this modeling did not meet the statistical confidence thresholds required to predict the impact of this variant on NEUROD1 protein function. In summary, the available evidence is currently insufficient to determine the role of this variant in disease. Therefore, it has been classified as a Variant of Uncertain Significance.

Fulgent Genetics
Classification: Uncertain significance for Type 2 diabetes mellitus; Maturity-onset diabetes of the young type 6. Last evaluated: 2024-05-27. Review status: criteria provided, single submitter. Criteria: ACMG Guidelines, 2015. Collection method: clinical testing. Allele origin: germline.